The following is an entry in ClinVar:

NM_001349338.3(FOXP1):c.1146+10_1146+12del

Gene: FOXP1 (forkhead box P1; minus strand). Cytogenetic location: 3p13.
Variant type: Deletion.
Coding change: c.1146+10_1146+12del on transcript NM_001349338.3 (MANE Select); bases 10 to 12 of the intron after coding-DNA position 1146, 3 bases deleted (GAT; older notation c.1146+10_1146+12delGAT).
Molecular consequence: intron variant.
Genome position (GRCh38, 1-based): chr3:70,987,982-70,987,984, ATC deleted on the plus strand (GAT on the coding strand, the reverse complement: FOXP1 is on the minus strand); deleting any 3 consecutive bases within chr3:70,987,982-70,987,985 gives the same sequence; the c. name uses the placement nearest the transcript's 3' end. VCF-style (leftmost placement, unchanged base first): chr3-70987981-GATC-G. GRCh37 (hg19) VCF-style: chr3-71037132-GATC-G.
Other names: p.?; c.1146+10_1146+12del (NM_001244810.2, NM_032682.6, NM_001349340.3 and 4 more transcripts); c.1143+10_1143+12del (NM_001349341.3); c.918+10_918+12del (NM_001244812.3); c.843+10_843+12del (NM_001349343.3, NM_001349337.2, NM_001349344.3); c.846+10_846+12del (NM_001349342.3, NM_001370548.1, NM_001244815.2 and 1 more transcripts).
Identifiers: ClinVar variation 167095 (VCV000167095.20), dbSNP rs199543140, ClinGen allele CA180054.
Genomic context (GRCh38, chr3:70,987,981, plus strand): 5'-ATTTGGGGTGGGGAAGTAGAAAAGGAATACTGTGAGTTTTGTTTTTTTCCCCTTGGTGGG[GATC>G]AATACTTACGGGCTGAGGGGCGGCTTTGGGTTCTGTAGACTTCACATGCAGGTGGGTCAT-3'

ClinVar aggregate classification (germline): Benign/Likely benign. Review status: criteria provided, multiple submitters, no conflicts (2 of 4 stars). 6 submissions from 6 submitters: Benign (3); Likely benign (2). 1 of the submissions does not count toward it. Last evaluated 2026-02-03.

Conditions:
FOXP1-related disorder. Also called: FOXP1-related condition.

Submissions (6):

Labcorp Genetics (formerly Invitae), Labcorp
Classification: Benign. Last evaluated: 2026-02-03. Review status: criteria provided, single submitter. Criteria: Invitae Variant Classification Sherloc (09022015). Collection method: clinical testing. Allele origin: germline.

Mayo Clinic Laboratories, Mayo Clinic
Classification: Benign. Last evaluated: 2025-08-17. Review status: criteria provided, single submitter. Criteria: ACMG Guidelines, 2015. Collection method: clinical testing. Allele origin: germline. Observed: 1 variant allele.
Comment: BS1, BS2, BP4, BP7

Blueprint Genetics
Classification: Likely benign. Last evaluated: 2024-11-26. Review status: criteria provided, single submitter. Criteria: ACMG Guidelines, 2015. Collection method: clinical testing. Allele origin: germline.

GeneDx
Classification: Likely benign. Last evaluated: 2019-07-12. Review status: criteria provided, single submitter. Criteria: GeneDx Variant Classification Process June 2021. Collection method: clinical testing. Allele origin: germline. Affected: yes.

Eurofins Ntd Llc (ga)
Classification: Benign. Last evaluated: 2014-03-03. Review status: criteria provided, single submitter. Criteria: EGL Classification Definitions 2015. Collection method: clinical testing. Allele origin: germline. Observed: 3 variant alleles, 3 heterozygotes.

PreventionGenetics, part of Exact Sciences
Classification: Benign for FOXP1-related condition. Last evaluated: 2019-07-01. Review status: no assertion criteria provided. Collection method: clinical testing. Allele origin: germline. Not counted in ClinVar's aggregate classification.
Comment: This variant is classified as benign based on ACMG/AMP sequence variant interpretation guidelines (Richards et al. 2015 PMID: 25741868, with internal and published modifications).